The following is an entry in ClinVar:

NM_000384.3(APOB):c.5502T>G (p.Asn1834Lys)

Gene: APOB (apolipoprotein B; minus strand). Cytogenetic location: 2p24.1.
Variant type: single nucleotide variant.
Coding change: c.5502T>G on transcript NM_000384.3 (MANE Select); coding-DNA position 5502, T replaced by G.
Protein change: p.Asn1834Lys; replaces asparagine 1834 with lysine.
Molecular consequence: missense variant.
Genome position (GRCh38, 1-based): chr2:21,011,366, A>C on the plus strand (T>G on the coding strand, the complement: APOB is on the minus strand). VCF-style: chr2-21011366-A-C. GRCh37 (hg19) VCF-style: chr2-21234238-A-C.
Other names: short protein forms N1834K.
Identifiers: ClinVar variation 3885327 (VCV003885327.1).

ClinVar aggregate classification (germline): Uncertain significance (1 of 4 stars; one submission).

Conditions:
Cardiovascular phenotype. Identifiers: MedGen CN230736.

Submission:

Ambry Genetics
Classification: Uncertain significance for Cardiovascular phenotype. Last evaluated: 2025-02-24. Review status: criteria provided, single submitter. Criteria: Ambry Variant Classification Scheme 2023. Collection method: clinical testing. Allele origin: germline.
Comment: The p.N1834K variant (also known as c.5502T>G), located in coding exon 26 of the APOB gene, results from a T to G substitution at nucleotide position 5502. The asparagine at codon 1834 is replaced by lysine, an amino acid with similar properties. This amino acid position is conserved. In addition, this alteration is predicted to be tolerated by in silico analysis. Based on the available evidence, the clinical significance of this variant remains unclear.